The following is an entry in ClinVar:

ClinVar aggregate classification (germline): Likely benign. Review status: criteria provided, multiple submitters, no conflicts (2 of 4 stars). 2 submissions from 2 submitters: Likely benign (2). Last evaluated 2024-09-12.

gnomAD v4.1: 170 of 1,614,116 alleles (0.011%); highest among the groups gnomAD compares: Non-Finnish European, 0.012%; no homozygotes.

Submissions (2):

Blueprint Genetics
Classification: Likely benign. Last evaluated: 2024-09-12. Review status: criteria provided, single submitter. Criteria: ACMG Guidelines, 2015. Collection method: clinical testing. Allele origin: germline.

CeGaT Center for Human Genetics Tuebingen
Classification: Likely benign. Last evaluated: 2024-09-01. Review status: criteria provided, single submitter. Criteria: CeGaT Center For Human Genetics Tuebingen Variant Classification Criteria Version 2. Collection method: clinical testing. Allele origin: germline. Affected: yes. Observed: 1 variant allele.
Comment: AGO2: BP4, BP7

NM_012154.5(AGO2):c.1119C>T (p.Pro373=)

Gene: AGO2 (argonaute RISC catalytic component 2; minus strand). Cytogenetic location: 8q24.3.
Variant type: single nucleotide variant.
Coding change: c.1119C>T on transcript NM_012154.5 (MANE Select); coding-DNA position 1119, C replaced by T.
Protein change: p.Pro373=; no amino-acid change (proline 373 retained).
Molecular consequence: synonymous variant.
Genome position (GRCh38, 1-based): chr8:140,556,194, G>A on the plus strand (C>T on the coding strand, the complement: AGO2 is on the minus strand). VCF-style: chr8-140556194-G-A. GRCh37 (hg19) VCF-style: chr8-141566293-G-A.
Other names: c.1119C>T, p.Pro373= (NM_001164623.3).
Identifiers: ClinVar variation 3388993 (VCV003388993.15).
Genomic context (GRCh38, chr8:140,556,194, plus strand): 5'-CACAGGGCAGCCCTGCCCGGGACTGACACTCACCAATTTGCTAATCTCTTCTTGCCGATC[G>A]GGCGCCGACCTAGCAGTCGCTCTGATCATGGTTGAGGTCTGATTGTCCGTTAATTTTTTA-3'
Protein context (NP_036286.2, residues 363-383): TMIRATARSA[Pro373=]DRQEEISKLM